The following is an entry in ClinVar:

ClinVar aggregate classification (germline): Uncertain significance (1 of 4 stars; one submission).

Conditions:
Kleefstra syndrome 2 (KLEFS2). Identifiers: MedGen C4540395, MONDO:0054701, OMIM 617768.

Allele frequency attached by ClinVar (database versions not stated): gnomAD 0.00001.
gnomAD v4.1: 3 of 1,613,820 alleles (0.00019%); highest among the groups gnomAD compares: African/African-American, 0.0027%; no homozygotes.

Submission:

Baylor Genetics
Classification: Uncertain significance for Kleefstra syndrome 2. Last evaluated: 2019-10-29. Review status: criteria provided, single submitter. Criteria: ACMG Guidelines, 2015. Collection method: clinical testing. Allele origin: unknown. Affected: yes.
Comment: This variant was determined to be of uncertain significance according to ACMG Guidelines, 2015 [PMID:25741868].

NM_170606.3(KMT2C):c.9905C>T (p.Pro3302Leu)

Gene: KMT2C (lysine methyltransferase 2C; minus strand). Cytogenetic location: 7q36.1.
Variant type: single nucleotide variant.
Coding change: c.9905C>T on transcript NM_170606.3 (MANE Select); coding-DNA position 9905, C replaced by T.
Protein change: p.Pro3302Leu; replaces proline 3302 with leucine.
Molecular consequence: missense variant.
Genome position (GRCh38, 1-based): chr7:152,163,672, G>A on the plus strand (C>T on the coding strand, the complement: KMT2C is on the minus strand). VCF-style: chr7-152163672-G-A. GRCh37 (hg19) VCF-style: chr7-151860757-G-A.
Other names: short protein forms P3302L.
Identifiers: ClinVar variation 1027844 (VCV001027844.1), dbSNP rs2092577305, ClinGen allele CA370105567.
Genomic context (GRCh38, chr7:152,163,672, plus strand): 5'-CCAGAAATAACTGTTGTGTGCTGCTGGTGCTGAAGCTGCTGTGGCACCATGGGAAAGGTG[G>A]GTTGGCTCATGGTGGGTGGAGTGGCACCTGGAATTAGGGGTGGCTGGGGCTGGACACTGG-3'
Protein context (NP_733751.2, residues 3292-3312): PGATPPTMSQ[Pro3302Leu]TFPMVPQQLQ